The following is an entry in ClinVar:

NM_001320.7(CSNK2B):c.176-2A>C

Gene: CSNK2B (casein kinase 2 beta; plus strand). Cytogenetic location: 6p21.33.
Variant type: single nucleotide variant.
Coding change: c.176-2A>C on transcript NM_001320.7 (MANE Select); the canonical splice acceptor site of the intron before coding-DNA position 176, A replaced by C.
Molecular consequence: splice acceptor variant.
Genome position (GRCh38, 1-based): chr6:31,668,537, A>C. VCF-style: chr6-31668537-A-C. GRCh37 (hg19) VCF-style: chr6-31636314-A-C.
Other names: c.176-2A>C (NM_001282385.2).
Identifiers: ClinVar variation 3898901 (VCV003898901.1).

ClinVar aggregate classification (germline): Pathogenic (1 of 4 stars; one submission).

Submission:

GeneDx
Classification: Pathogenic. Last evaluated: 2024-11-05. Review status: criteria provided, single submitter. Criteria: GeneDx Variant Classification Process June 2021. Collection method: clinical testing. Allele origin: germline. Affected: yes.
Comment: Canonical splice site variant predicted to result in a null allele in a gene for which loss of function is a known mechanism of disease; Not observed at significant frequency in large population cohorts (gnomAD); This variant is associated with the following publications: (PMID: 37717460)